The following is an entry in ClinVar:

ClinVar aggregate classification (germline): Uncertain significance (1 of 4 stars; one submission).

Conditions:
Insulin-dependent diabetes mellitus secretory diarrhea syndrome (IPEX). Also called: DIABETES MELLITUS, CONGENITAL INSULIN-DEPENDENT, WITH FATAL SECRETORY DIARRHEA; DIARRHEA, POLYENDOCRINOPATHY, FATAL INFECTION SYNDROME, X-LINKED; ENTEROPATHY, AUTOIMMUNE, WITH HEMOLYTIC ANEMIA AND POLYENDOCRINOPATHY; X-Linked Autoimmunity-Allergic Dysregulation Syndrome; IPEX and IPEX-Like; Immunodeficiency, Polyendocrinopathy, and Enteropathy X-Linked Syndrome. Identifiers: Orphanet 37042, MedGen C0342288, MONDO:0010580, OMIM 304790. Disease mechanism: loss of function.

Submission:

Labcorp Genetics (formerly Invitae), Labcorp
Classification: Uncertain significance for Insulin-dependent diabetes mellitus secretory diarrhea syndrome. Last evaluated: 2021-12-20. Review status: criteria provided, single submitter. Criteria: Invitae Variant Classification Sherloc (09022015). Collection method: clinical testing. Allele origin: germline.
Comment: A copy number gain of the genomic region encompassing the full coding sequence of the FOXP3 gene has been identified. The boundaries of this event are unknown as they extend beyond the assayed region for this gene and therefore may encompass additional genes. As the precise location of this event is unknown, it may be in tandem or it may be located elsewhere in the genome. This variant has not been reported in the literature in individuals affected with FOXP3-related conditions. In summary, the available evidence is currently insufficient to determine the role of this variant in disease. Therefore, it has been classified as a Variant of Uncertain Significance.

NC_000023.10:g.(?_48932462)_(49840657_?)dup

Genes: GAGE2A (G antigen 2A; plus strand), GAGE2B (G antigen 2B; plus strand), GAGE2C (G antigen 2C; plus strand), GAGE2D (G antigen 2D; plus strand), GAGE2E (G antigen 2E; plus strand) and 28 more. Cytogenetic location: Xp11.23-11.22.
Variant type: Duplication.
Identifiers: ClinVar variation 1411770 (VCV001411770.5).